The following is an entry in ClinVar:

ClinVar aggregate classification (germline): Uncertain significance (1 of 4 stars; one submission).

Conditions:
Charlevoix-Saguenay spastic ataxia (SACS). Also called: AUTOSOMAL RECESSIVE SPASTIC ATAXIA OF CHARLEVOIX-SAGUENAY; SPASTIC ATAXIA 6, AUTOSOMAL RECESSIVE; Spastic ataxia of Charlevoix-Saguenay. Identifiers: Orphanet 98, MedGen C1849140, MONDO:0010041, OMIM 270550.

Submission:

Center for Human Genetics and Genomic Medicine, Uniklinik Rwth Aachen
Classification: Uncertain significance for Charlevoix-Saguenay spastic ataxia. Last evaluated: 2021-07-14. Review status: criteria provided, single submitter. Criteria: ACMG Guidelines, 2015. Collection method: clinical testing. Allele origin: germline. Inheritance: Autosomal recessive inheritance. Affected: yes.
Comment: The variant is absent from population databases and it has not been reported in the literature. Segregation analyses have not yet been performed. Bioinformatic prediction tools point to pathogenicity. We have classified it as a "variant of unknown significance".

NM_014363.6(SACS):c.6125G>A (p.Cys2042Tyr)

Gene: SACS (sacsin molecular chaperone; minus strand). Cytogenetic location: 13q12.12.
Variant type: single nucleotide variant.
Coding change: c.6125G>A on transcript NM_014363.6 (MANE Select); coding-DNA position 6125, G replaced by A.
Protein change: p.Cys2042Tyr; replaces cysteine 2042 with tyrosine.
Molecular consequence: missense variant.
Genome position (GRCh38, 1-based): chr13:23,337,751, C>T on the plus strand (G>A on the coding strand, the complement: SACS is on the minus strand). VCF-style: chr13-23337751-C-T. GRCh37 (hg19) VCF-style: chr13-23911890-C-T.
Other names: c.5684G>A, p.Cys1895Tyr (NM_001278055.2); short protein forms C1895Y, C2042Y.
Identifiers: ClinVar variation 1179011 (VCV001179011.2), dbSNP rs2137612456, ClinGen allele CA387523850.